The following is an entry in ClinVar:

NM_022552.5(DNMT3A):c.774G>C (p.Val258=)

Gene: DNMT3A (DNA methyltransferase 3 alpha; minus strand). Cytogenetic location: 2p23.3.
Variant type: single nucleotide variant.
Coding change: c.774G>C on transcript NM_022552.5 (MANE Select); coding-DNA position 774, G replaced by C.
Protein change: p.Val258=; no amino-acid change (valine 258 retained).
Molecular consequence: synonymous variant. On other transcripts: non-coding transcript variant (1).
Genome position (GRCh38, 1-based): chr2:25,248,118, C>G on the plus strand (G>C on the coding strand, the complement: DNMT3A is on the minus strand). VCF-style: chr2-25248118-C-G. GRCh37 (hg19) VCF-style: chr2-25470987-C-G.
Other names: c.774G>C, p.Val258= (NM_175629.2); c.318G>C, p.Val106= (NM_001320893.1); c.105G>C, p.Val35= (NM_001375819.1); c.207G>C, p.Val69= (NM_153759.3); c.774G>C (NM_022552.3).
Identifiers: ClinVar variation 745393 (VCV000745393.6), dbSNP rs746497745, ClinGen allele CA1556301.

ClinVar aggregate classification (germline): Likely benign. Review status: criteria provided, multiple submitters, no conflicts (2 of 4 stars). 3 submissions from 3 submitters: Likely benign (2). 1 of the submissions does not count toward it. Last evaluated 2025-01-23.

Conditions:
Inborn genetic diseases. Identifiers: MedGen C0950123, MeSH D030342.
DNMT3A-related disorder. Also called: DNMT3A-related condition; DNMT3A-related disorders.

Allele frequency attached by ClinVar (database versions not stated): gnomAD 0.00001; ExAC 0.00002; gnomAD exomes 0.00002 and 0.00004.
gnomAD v4.1: 62 of 1,613,484 alleles (0.0038%); highest among the groups gnomAD compares: Non-Finnish European, 0.0053%; no homozygotes.

Submissions (3):

Ambry Genetics
Classification: Likely benign for Inborn genetic diseases. Last evaluated: 2025-01-23. Review status: criteria provided, single submitter. Criteria: Ambry Variant Classification Scheme 2023. Collection method: clinical testing. Allele origin: germline.

Labcorp Genetics (formerly Invitae), Labcorp
Classification: Likely benign. Last evaluated: 2018-05-08. Review status: criteria provided, single submitter. Criteria: Invitae Variant Classification Sherloc (09022015). Collection method: clinical testing. Allele origin: germline.

PreventionGenetics, part of Exact Sciences
Classification: Likely benign for DNMT3A-related condition. Last evaluated: 2023-04-28. Review status: no assertion criteria provided. Collection method: clinical testing. Allele origin: germline. Not counted in ClinVar's aggregate classification.
Comment: This variant is classified as likely benign based on ACMG/AMP sequence variant interpretation guidelines (Richards et al. 2015 PMID: 25741868, with internal and published modifications).